The following is an entry in ClinVar:

NM_021930.6(RINT1):c.769C>G (p.Pro257Ala)

Gene: RINT1 (RAD50 interactor 1; plus strand). Cytogenetic location: 7q22.3.
Variant type: single nucleotide variant.
Coding change: c.769C>G on transcript NM_021930.6 (MANE Select); coding-DNA position 769, C replaced by G.
Protein change: p.Pro257Ala; replaces proline 257 with alanine.
Molecular consequence: missense variant. On other transcripts: 5 prime UTR variant (2), non-coding transcript variant (1), intron variant (1).
Genome position (GRCh38, 1-based): chr7:105,547,263, C>G. VCF-style: chr7-105547263-C-G. GRCh37 (hg19) VCF-style: chr7-105187710-C-G.
Other names: c.535C>G, p.Pro179Ala (NM_001346599.2); c.-251C>G (NM_001346600.2); c.-154C>G (NM_001346601.2); c.-27-2792C>G (NM_001346603.2); short protein forms P257A, P179A.
Identifiers: ClinVar variation 661486 (VCV000661486.12), dbSNP rs370242278, ClinGen allele CA4426524.

ClinVar aggregate classification (germline): Uncertain significance. Review status: criteria provided, multiple submitters, no conflicts (2 of 4 stars). 2 submissions from 2 submitters: Uncertain significance (2). Last evaluated 2025-08-29.

Allele frequency attached by ClinVar (database versions not stated): gnomAD exomes 0.00005; TOPMed 0.00005; gnomAD 0.00006.
gnomAD v4.1: 77 of 1,614,070 alleles (0.0048%); highest among the groups gnomAD compares: Non-Finnish European, 0.0063%; no homozygotes.

Submissions (2):

Labcorp Genetics (formerly Invitae), Labcorp
Classification: Uncertain significance. Last evaluated: 2025-08-29. Review status: criteria provided, single submitter. Criteria: Invitae Variant Classification Sherloc (09022015). Collection method: clinical testing. Allele origin: germline.
Comment: This sequence change replaces proline, which is neutral and non-polar, with alanine, which is neutral and non-polar, at codon 257 of the RINT1 protein (p.Pro257Ala). This variant is present in population databases (rs370242278, gnomAD 0.01%). This variant has not been reported in the literature in individuals affected with RINT1-related conditions. ClinVar contains an entry for this variant (Variation ID: 661486). An algorithm developed to predict the effect of missense changes on protein structure and function (PolyPhen-2) suggests that this variant is likely to be tolerated. In summary, the available evidence is currently insufficient to determine the role of this variant in disease. Therefore, it has been classified as a Variant of Uncertain Significance.

Ambry Genetics
Classification: Uncertain significance. Last evaluated: 2025-08-02. Review status: criteria provided, single submitter. Criteria: Ambry Variant Classification Scheme 2023. Collection method: clinical testing. Allele origin: germline.